The following is an entry in ClinVar:

ClinVar aggregate classification (germline): Uncertain significance (1 of 4 stars; one submission).

Conditions:
Hajdu-Cheney syndrome (HJCYS). Also called: SERPENTINE FIBULA-POLYCYSTIC KIDNEY SYNDROME; ACROOSTEOLYSIS WITH OSTEOPOROSIS AND CHANGES IN SKULL AND MANDIBLE; Acroosteolysis dominant type. Identifiers: Orphanet 955, MedGen C0917715, MONDO:0007057, OMIM 102500.

Submission:

Labcorp Genetics (formerly Invitae), Labcorp
Classification: Uncertain significance for Hajdu-Cheney syndrome. Last evaluated: 2023-01-09. Review status: criteria provided, single submitter. Criteria: Invitae Variant Classification Sherloc (09022015). Collection method: clinical testing. Allele origin: germline.
Comment: This sequence change replaces proline, which is neutral and non-polar, with leucine, which is neutral and non-polar, at codon 2422 of the NOTCH2 protein (p.Pro2422Leu). This variant is not present in population databases (gnomAD no frequency). This variant has not been reported in the literature in individuals affected with NOTCH2-related conditions. Advanced modeling of protein sequence and biophysical properties (such as structural, functional, and spatial information, amino acid conservation, physicochemical variation, residue mobility, and thermodynamic stability) performed at Invitae indicates that this missense variant is not expected to disrupt NOTCH2 protein function. In summary, the available evidence is currently insufficient to determine the role of this variant in disease. Therefore, it has been classified as a Variant of Uncertain Significance.

NM_024408.4(NOTCH2):c.7265C>T (p.Pro2422Leu)

Gene: NOTCH2 (notch receptor 2; minus strand). Cytogenetic location: 1p12.
Variant type: single nucleotide variant.
Coding change: c.7265C>T on transcript NM_024408.4 (MANE Select); coding-DNA position 7265, C replaced by T.
Protein change: p.Pro2422Leu; replaces proline 2422 with leucine.
Molecular consequence: missense variant.
Genome position (GRCh38, 1-based): chr1:119,915,457, G>A on the plus strand (C>T on the coding strand, the complement: NOTCH2 is on the minus strand). VCF-style: chr1-119915457-G-A. GRCh37 (hg19) VCF-style: chr1-120458080-G-A.
Other names: short protein forms P2422L.
Identifiers: ClinVar variation 2827356 (VCV002827356.3), dbSNP rs2526102776, ClinGen allele CA341872275.
Genomic context (GRCh38, chr1:119,915,457, plus strand): 5'-CTGGTGGTCACATCTGACCAGTCAGAAGCAGAGTGGGGTGATGAACTTGACCACTGGTCA[G>A]GAGACTCTGGGGATGGTGTCAGGTAGGGATGCTCACCCTGGAGGTGACCACTGTGACTGG-3'
Protein context (NP_077719.2, residues 2412-2432): HPYLTPSPES[Pro2422Leu]DQWSSSSPHS